The following is an entry in ClinVar:

ClinVar aggregate classification (germline): Conflicting classifications of pathogenicity. Review status: criteria provided, conflicting classifications (1 of 4 stars). 8 submissions from 8 submitters: Uncertain significance (5); Likely benign (2). 1 of the submissions does not count toward it. Last evaluated 2025-12-14.

Conditions:
Hyperphosphatasia with impaired intellectual development syndrome 2. Also called: Hyperphosphatasia with intellectual disability syndrome 2; GLYCOSYLPHOSPHATIDYLINOSITOL BIOSYNTHESIS DEFECT 6. Identifiers: Orphanet 247262, MedGen C3553637, MONDO:0013882, OMIM 614749.
PIGO-related disorder. Also called: PIGO-related condition.

Allele frequency attached by ClinVar (database versions not stated): ExAC 0.00078; gnomAD exomes 0.00080 and 0.00093; gnomAD 0.00084 and 0.00081; 1000 Genomes Project 0.00040; 1000 Genomes Project 30x 0.00047; TOPMed 0.00071; ESP Exome Variant Server 0.00092.

Submissions (8):

Labcorp Genetics (formerly Invitae), Labcorp
Classification: Likely benign for Hyperphosphatasia with impaired intellectual development syndrome 2. Last evaluated: 2025-12-14. Review status: criteria provided, single submitter. Criteria: Invitae Variant Classification Sherloc (09022015). Collection method: clinical testing. Allele origin: germline.

ARUP Laboratories, Molecular Genetics and Genomics, ARUP Laboratories
Classification: Uncertain significance for Hyperphosphatasia with impaired intellectual development syndrome 2. Last evaluated: 2025-04-16. Review status: criteria provided, single submitter. Criteria: ARUP Molecular Germline Variant Investigation Process 2024. Collection method: clinical testing. Allele origin: germline.

GeneDx
Classification: Uncertain significance. Last evaluated: 2025-02-10. Review status: criteria provided, single submitter. Criteria: GeneDx Variant Classification Process June 2021. Collection method: clinical testing. Allele origin: germline. Affected: yes.
Comment: Reported in an adult patient with an atypical femur fracture; however, no second variant was reported and no developmental history information was provided (PMID: 36762943); In silico analysis supports that this missense variant has a deleterious effect on protein structure/function; This variant is associated with the following publications: (PMID: 36762943)

Blueprint Genetics
Classification: Likely benign. Last evaluated: 2024-09-23. Review status: criteria provided, single submitter. Criteria: ACMG Guidelines, 2015. Collection method: clinical testing. Allele origin: germline.

Women's Health and Genetics/Laboratory Corporation of America, LabCorp
Classification: Uncertain significance. Last evaluated: 2024-04-16. Review status: criteria provided, single submitter. Criteria: LabCorp Variant Classification Summary - May 2015. Collection method: clinical testing. Allele origin: germline.
Comment: Variant summary: PIGO c.626A>G (p.Asn209Ser) results in a conservative amino acid change located in the GPI ethanolamine phosphate transferase 3, N-terminal domain (IPR037675) of the encoded protein sequence. Four of five in-silico tools predict a benign effect of the variant on protein function. The variant allele was found at a frequency of 0.0008 in 238830 control chromosomes. c.626A>G has been reported in the literature in an individual affected with atypical femur fracture (e.g. Marini_2023). This report do not provide unequivocal conclusions about association of the variant with Hyperphosphatasia With Intellectual Disability Syndrome 2. To our knowledge, no experimental evidence demonstrating an impact on protein function has been reported. The following publication has been ascertained in the context of this evaluation (PMID: 36762943). ClinVar contains an entry for this variant (Variation ID: 366761). Based on the evidence outlined above, the variant was classified as uncertain significance.

Illumina Laboratory Services, Illumina
Classification: Uncertain significance for Hyperphosphatasia with impaired intellectual development syndrome 2. Last evaluated: 2018-01-12. Review status: criteria provided, single submitter. Criteria: ICSL Variant Classification Criteria 13 December 2019. Collection method: clinical testing. Allele origin: germline.

CeGaT Center for Human Genetics Tuebingen
Classification: Uncertain significance. Last evaluated: 2016-06-01. Review status: criteria provided, single submitter. Criteria: CeGaT Center For Human Genetics Tuebingen Variant Classification Criteria Version 2. Collection method: clinical testing. Allele origin: germline. Affected: yes. Observed: 1 variant allele.

PreventionGenetics, part of Exact Sciences
Classification: Likely benign for PIGO-related condition. Last evaluated: 2019-12-10. Review status: no assertion criteria provided. Collection method: clinical testing. Allele origin: germline. Not counted in ClinVar's aggregate classification.
Comment: This variant is classified as likely benign based on ACMG/AMP sequence variant interpretation guidelines (Richards et al. 2015 PMID: 25741868, with internal and published modifications).

Literature cited by the submitters: PubMed 36762943 (cited by Women's Health and Genetics/Laboratory Corporation of America, LabCorp).

NM_032634.4(PIGO):c.626A>G (p.Asn209Ser)

Gene: PIGO (phosphatidylinositol glycan anchor biosynthesis class O; minus strand). Cytogenetic location: 9p13.3.
Variant type: single nucleotide variant.
Coding change: c.626A>G on transcript NM_032634.4 (MANE Select); coding-DNA position 626, A replaced by G.
Protein change: p.Asn209Ser; replaces asparagine 209 with serine.
Molecular consequence: missense variant.
Genome position (GRCh38, 1-based): chr9:35,094,245, T>C on the plus strand (A>G on the coding strand, the complement: PIGO is on the minus strand). VCF-style: chr9-35094245-T-C. GRCh37 (hg19) VCF-style: chr9-35094242-T-C.
Other names: c.626A>G, p.Asn209Ser (NM_001201484.2, NM_152850.4); short protein forms N209S.
Identifiers: ClinVar variation 366761 (VCV000366761.64), dbSNP rs138028827, ClinGen allele CA5040888.
Genomic context (GRCh38, chr9:35,094,245, plus strand): 5'-TTAGAACTAAGTGCTCTGGCCCCATGCTCACTGGTGGGGTAGAGGTGTTCCAGGATGCCA[T>C]TGTCCACTGTGTCTAGGTCTCTGACATTGAAGGATGGGAAGAAGAAAGCTTTGGAGAAAG-3'
Protein context (NP_116023.2, residues 199-219): FNVRDLDTVD[Asn209Ser]GILEHLYPTM